The following is an entry in ClinVar:

NM_032119.4(ADGRV1):c.11420G>T (p.Gly3807Val)

Gene: ADGRV1 (adhesion G protein-coupled receptor V1; plus strand). Cytogenetic location: 5q14.3.
Variant type: single nucleotide variant.
Coding change: c.11420G>T on transcript NM_032119.4 (MANE Select); coding-DNA position 11420, G replaced by T.
Protein change: p.Gly3807Val; replaces glycine 3807 with valine.
Molecular consequence: missense variant. On other transcripts: non-coding transcript variant (1).
Genome position (GRCh38, 1-based): chr5:90,755,025, G>T. VCF-style: chr5-90755025-G-T. GRCh37 (hg19) VCF-style: chr5-90050842-G-T.
Other names: short protein forms G3807V.
Identifiers: ClinVar variation 1931687 (VCV001931687.5), dbSNP rs2531631836, ClinGen allele CA360366428.

ClinVar aggregate classification (germline): Uncertain significance (1 of 4 stars; one submission).

Allele frequency attached by ClinVar (database versions not stated): gnomAD exomes 0.00001.
gnomAD v4.1: 7 of 1,613,276 alleles (0.00043%); highest among the groups gnomAD compares: Non-Finnish European, 0.00051%; no homozygotes.

Submission:

Labcorp Genetics (formerly Invitae), Labcorp
Classification: Uncertain significance. Last evaluated: 2022-07-03. Review status: criteria provided, single submitter. Criteria: Invitae Variant Classification Sherloc (09022015). Collection method: clinical testing. Allele origin: germline.
Comment: This sequence change replaces glycine, which is neutral and non-polar, with valine, which is neutral and non-polar, at codon 3807 of the ADGRV1 protein (p.Gly3807Val). This variant is not present in population databases (gnomAD no frequency). This variant has not been reported in the literature in individuals affected with ADGRV1-related conditions. Algorithms developed to predict the effect of missense changes on protein structure and function are either unavailable or do not agree on the potential impact of this missense change (SIFT: "Deleterious"; PolyPhen-2: "Probably Damaging"; Align-GVGD: "Class C0"). In summary, the available evidence is currently insufficient to determine the role of this variant in disease. Therefore, it has been classified as a Variant of Uncertain Significance.